The following is an entry in ClinVar:

ClinVar aggregate classification (germline): Pathogenic (0 of 4 stars; one submission).

Conditions:
46,XY sex reversal 1. Also called: SRY-related 46,XY complete gonadal dysgenesis; 46,XY SEX REVERSAL, SRY-RELATED. Identifiers: Orphanet 242, MedGen C2748896, MONDO:0020712, OMIM 400044.

Submission:

Human Developmental Genetics, Institut Pasteur
Classification: Pathogenic for 46,XY sex reversal 1. Last evaluated: 2024-02-20. Review status: no assertion criteria provided. Collection method: research. Allele origin: unknown, not applicable. Inheritance: Y-linked inheritance. Affected: yes. Observed: 1 hemizygote. Functional consequence: effect on transcription.
Comment: Pathogenicity was based on absence from controls, in silico modelling and functional evidence.

NC_000024.10:g.2792798G>A

Variant type: single nucleotide variant.
Genome position: GRCh38 VCF-style: chrY-2792798-G-A. GRCh37 (hg19) VCF-style: chrY-2660839-G-A.
Identifiers: ClinVar variation 3024132 (VCV003024132.2), dbSNP rs2521871783, ClinGen allele CA2740090176.
Genomic context (GRCh38, chrY:2,792,798, plus strand): 5'-TAAAATGAAGGTCACTTTTGATCTTTTCCAGGGTCTTCCTTCAGTTCCTTTTTGTCCAAG[G>A]CTAACTACACTCCTCTTTGTCTAGTGAGCCAGCAGCTGTTTGACCAAGAACCATTTTAGG-3'